The following is an entry in ClinVar:

ClinVar aggregate classification (germline): Benign (0 of 4 stars; one submission).

Conditions:
PRRC2A-related disorder. Also called: PRRC2A-related condition.

Allele frequency attached by ClinVar (database versions not stated): ExAC 0.04228; gnomAD 0.05981; ESP Exome Variant Server 0.06023; TOPMed 0.06663; 1000 Genomes Project 0.08187; 1000 Genomes Project 30x 0.08307.
gnomAD v4.1: 55,224 of 1,574,932 alleles (3.5%); highest among the groups gnomAD compares: African/African-American, 13%; 1,691 homozygotes.

Submission:

PreventionGenetics, part of Exact Sciences
Classification: Benign for PRRC2A-related condition. Last evaluated: 2019-02-27. Review status: no assertion criteria provided. Collection method: clinical testing. Allele origin: germline.
Comment: This variant is classified as benign based on ACMG/AMP sequence variant interpretation guidelines (Richards et al. 2015 PMID: 25741868, with internal and published modifications).

NM_004638.4(PRRC2A):c.6389C>T (p.Pro2130Leu)

Gene: PRRC2A (proline rich coiled-coil 2A; plus strand). Cytogenetic location: 6p21.33.
Variant type: single nucleotide variant.
Coding change: c.6389C>T on transcript NM_004638.4 (MANE Select); coding-DNA position 6389, C replaced by T.
Protein change: p.Pro2130Leu; replaces proline 2130 with leucine.
Molecular consequence: missense variant.
Genome position (GRCh38, 1-based): chr6:31,637,501, C>T. VCF-style: chr6-31637501-C-T. GRCh37 (hg19) VCF-style: chr6-31605278-C-T.
Other names: c.6389C>T, p.Pro2130Leu (NM_080686.3); short protein forms P2130L.
Identifiers: ClinVar variation 3060217 (VCV003060217.2), dbSNP rs1046756, ClinGen allele CA3716874.